The following is an entry in ClinVar:

NM_017802.4(DNAAF5):c.2013_2028delinsATGGCC (p.Ala672fs)

Gene: DNAAF5 (dynein axonemal assembly factor 5; plus strand). Cytogenetic location: 7p22.3.
Variant type: Indel.
Coding change: c.2013_2028delinsATGGCC on transcript NM_017802.4 (MANE Select); coding-DNA positions 2013 to 2028, GGCCATCCGCACGGCT replaced by ATGGCC.
Protein change: p.Ala672fs; shifts the reading frame from alanine 672.
Molecular consequence: frameshift variant. On other transcripts: non-coding transcript variant (1).
Genome position (GRCh38, 1-based): chr7:774,129-774,144, GGCCATCCGCACGGCT replaced by ATGGCC. VCF-style: chr7-774129-GGCCATCCGCACGGCT-ATGGCC. GRCh37 (hg19) VCF-style: chr7-813766-GGCCATCCGCACGGCT-ATGGCC.
Other names: short protein forms A672fs.
Identifiers: ClinVar variation 649289 (VCV000649289.6), dbSNP rs1583517442, ClinGen allele CA915944808.

ClinVar aggregate classification (germline): Pathogenic (1 of 4 stars; one submission).

Conditions:
Primary ciliary dyskinesia. Also called: Ciliary dyskinesia. Identifiers: Orphanet 244, MedGen C0008780, MONDO:0016575, HP:0012265.

Submission:

Labcorp Genetics (formerly Invitae), Labcorp
Classification: Pathogenic for Primary ciliary dyskinesia. Last evaluated: 2022-11-08. Review status: criteria provided, single submitter. Criteria: Invitae Variant Classification Sherloc (09022015). Collection method: clinical testing. Allele origin: germline.
Comment: For these reasons, this variant has been classified as Pathogenic. This variant has not been reported in the literature in individuals affected with DNAAF5-related conditions. Information on the frequency of this variant in the gnomAD database is not available, as this variant may be reported differently in the database. This sequence change creates a premature translational stop signal (p.Ala672Trpfs*28) in the DNAAF5 gene. It is expected to result in an absent or disrupted protein product. Loss-of-function variants in DNAAF5 are known to be pathogenic (PMID: 24307375, 25232951).

Literature cited by the submitters: PubMed 24307375; PubMed 25232951.